The following is an entry in ClinVar:

ClinVar aggregate classification (germline): Uncertain significance (1 of 4 stars; one submission).

Conditions:
Atrial fibrillation, familial, 18 (ATFB18). Identifiers: MedGen C4310636, MONDO:0015001, OMIM 617280.

Submission:

Labcorp Genetics (formerly Invitae), Labcorp
Classification: Uncertain significance for Atrial fibrillation, familial, 18. Last evaluated: 2025-11-10. Review status: criteria provided, single submitter. Criteria: Invitae Variant Classification Sherloc (09022015). Collection method: clinical testing. Allele origin: germline.
Comment: This variant, c.60_65del, results in the deletion of 2 amino acid(s) of the MYL4 protein (p.Ala30_Pro31del), but otherwise preserves the integrity of the reading frame. This variant is present in population databases (rs766730973, gnomAD 0.003%). This variant has not been reported in the literature in individuals affected with MYL4-related conditions. Experimental studies and prediction algorithms are not available or were not evaluated, and the functional significance of this variant is currently unknown. In summary, the available evidence is currently insufficient to determine the role of this variant in disease. Therefore, it has been classified as a Variant of Uncertain Significance.

NM_002476.2(MYL4):c.48TCCAGC[2] (p.16AP[7])

Gene: MYL4 (myosin light chain 4; plus strand). Cytogenetic location: 17q21.32.
Variant type: Microsatellite.
Coding change: c.48TCCAGC[2] on transcript NM_002476.2 (MANE Select); two copies in a row of the 6-base unit TCCAGC starting at c.48; the reference has three copies in a row; one copy, 6 bases deleted.
Protein change: p.16AP[7].
Molecular consequence: inframe deletion.
Genome position (GRCh38, 1-based): chr17:47,209,482-47,209,487, TCCAGC deleted; deleting any 6 consecutive bases within chr17:47,209,465-47,209,487 gives the same sequence; the position shown is the placement nearest the transcript's 3' end. VCF-style (leftmost placement, unchanged base first): chr17-47209464-GCCAGCT-G. GRCh37 (hg19) VCF-style: chr17-45286830-GCCAGCT-G.
Other names: c.48TCCAGC[2], p.16AP[7] (NM_001002841.2).
Identifiers: ClinVar variation 1056249 (VCV001056249.9), dbSNP rs763415247, ClinGen allele CA8622554.